The following is an entry in ClinVar:

NM_001365951.3(KIF1B):c.3527T>A (p.Ile1176Asn)

Gene: KIF1B (kinesin family member 1B; plus strand). Cytogenetic location: 1p36.22.
Variant type: single nucleotide variant.
Coding change: c.3527T>A on transcript NM_001365951.3 (MANE Select); coding-DNA position 3527, T replaced by A.
Protein change: p.Ile1176Asn; replaces isoleucine 1176 with asparagine.
Molecular consequence: missense variant.
Genome position (GRCh38, 1-based): chr1:10,342,063, T>A. VCF-style: chr1-10342063-T-A. GRCh37 (hg19) VCF-style: chr1-10402121-T-A.
Other names: c.3527T>A, p.Ile1176Asn (NM_001365952.1); c.3389T>A, p.Ile1130Asn (NM_015074.3); short protein forms I1130N, I1176N.
Identifiers: ClinVar variation 1730872 (VCV001730872.2), dbSNP rs2521751953, ClinGen allele CA338341517.
Genomic context (GRCh38, chr1:10,342,063, plus strand): 5'-AAATGTGTATTTTCTTGTAATCTTTTCCTAATCTTGCTTGGCTTTAGATTGCAGTGGAGA[T>A]CACTGAATCATTTGTGGATTACATCAAAACCAAGCCTATTGTATTTGAAGTCTTTGGGCA-3'
Protein context (NP_001352880.1, residues 1166-1186): FYHVQNIAVE[Ile1176Asn]TESFVDYIKT

ClinVar aggregate classification (germline): Uncertain significance (1 of 4 stars; one submission).

Submission:

Ambry Genetics
Classification: Uncertain significance. Last evaluated: 2022-06-18. Review status: criteria provided, single submitter. Criteria: Ambry Variant Classification Scheme 2023. Collection method: clinical testing. Allele origin: germline.
Comment: The p.I1130N variant (also known as c.3389T>A), located in coding exon 30 of the KIF1B gene, results from a T to A substitution at nucleotide position 3389. The isoleucine at codon 1130 is replaced by asparagine, an amino acid with dissimilar properties. This amino acid position is conserved. In addition, this alteration is predicted to be tolerated by in silico analysis. Since supporting evidence is limited at this time, the clinical significance of this alteration remains unclear.